The following is an entry in ClinVar:

NC_000023.10:g.(99597074_99605643)_(99605703_99657521)dup

Gene: PCDH19 (protocadherin 19; minus strand). Cytogenetic location: Xq22.1.
Variant type: Duplication.
Identifiers: ClinVar variation 4887324 (VCV004887324.1).

ClinVar aggregate classification (germline): Likely pathogenic (1 of 4 stars; one submission).

Conditions:
Developmental and epileptic encephalopathy, 9 (DEE9). Also called: EPILEPSY, FEMALE-RESTRICTED, WITH MENTAL RETARDATION; JUBERG-HELLMAN SYNDROME; PCDH19-Related X-Linked Female-Limited Epilepsy with Mental Retardation; Early infantile epileptic encephalopathy 9. Identifiers: Orphanet 101039, Orphanet 2076, MedGen C1848137, MONDO:0010246, OMIM 300088. Disease mechanism: loss of function.

Submission:

Women's Health and Genetics/Laboratory Corporation of America, LabCorp
Classification: Likely pathogenic for Developmental and epileptic encephalopathy, 9. Last evaluated: 2026-06-11. Review status: criteria provided, single submitter. Criteria: LabCorp Variant Classification Summary - May 2015. Collection method: clinical testing. Allele origin: germline.
Comment: Variant summary: The variant involves the duplication of exon 4 in the PCDH19 gene. A presumed nomenclature of c.(2616+1_2617-1)_(2675+1_2676-1)dup has been designated for the purposes of this classification. It is assumed to be a tandem duplication in direct orientation (PMIDs: 25640679, 30054569). This Copy Number Variant (CNV) is expected to alter the reading frame and predicted to result in a truncation or absence of the encoded protein due to nonsense mediated decay (NMD). Loss-of-function variants in this gene are known to be pathogenic. The variant was absent in 16120 control chromosomes. To our knowledge, no occurrence of c.(2616+1_2617-1)_(2675+1_2676-1)dup in individuals affected with PCDH19-related conditions and no experimental evidence demonstrating its impact on protein function have been reported. No submitters have cited clinical-significance assessments for this variant to ClinVar. Based on the evidence outlined above, the variant was classified as likely pathogenic.